The following is an entry in ClinVar:

NM_138576.4(BCL11B):c.595G>A (p.Glu199Lys)

Gene: BCL11B (BCL11 transcription factor B; minus strand). Cytogenetic location: 14q32.2.
Variant type: single nucleotide variant.
Coding change: c.595G>A on transcript NM_138576.4 (MANE Select); coding-DNA position 595, G replaced by A.
Protein change: p.Glu199Lys; replaces glutamic acid 199 with lysine.
Molecular consequence: missense variant. On other transcripts: intron variant (2).
Genome position (GRCh38, 1-based): chr14:99,231,390, C>T on the plus strand (G>A on the coding strand, the complement: BCL11B is on the minus strand). VCF-style: chr14-99231390-C-T. GRCh37 (hg19) VCF-style: chr14-99697727-C-T.
Other names: c.592G>A, p.Glu198Lys (NM_001282237.2); c.424+26081G>A (NM_001282238.2); c.427+26081G>A (NM_022898.3); short protein forms E198K, E199K.
Identifiers: ClinVar variation 4781802 (VCV004781802.1).
Genomic context (GRCh38, chr14:99,231,390, plus strand): 5'-GGCGTCGTCTGTTACCTGACAACTGACACTGGCATCCAAAGGGAGCCTCCGTCTGACCCT[C>T]ACCCTGAGTCCCGTCACCCGAGACCGGGCGCGCGCTGCAGCACGGCAGGGGGAGGCAGGG-3'
Protein context (NP_612808.1, residues 189-209): RPVSGDGTQG[Glu199Lys]GQTEAPFGCQ

ClinVar aggregate classification (germline): Uncertain significance (1 of 4 stars; one submission).

gnomAD v4.1: 5 of 1,602,760 alleles (0.00031%); highest among the groups gnomAD compares: Admixed American, 0.0017%; no homozygotes.

Submission:

Labcorp Genetics (formerly Invitae), Labcorp
Classification: Uncertain significance. Last evaluated: 2025-04-29. Review status: criteria provided, single submitter. Criteria: Invitae Variant Classification Sherloc (09022015). Collection method: clinical testing. Allele origin: germline.
Comment: This sequence change replaces glutamic acid, which is acidic and polar, with lysine, which is basic and polar, at codon 199 of the BCL11B protein (p.Glu199Lys). This variant is present in population databases (no rsID available, gnomAD 0.003%). This variant has not been reported in the literature in individuals affected with BCL11B-related conditions. Invitae Evidence Modeling of protein sequence and biophysical properties (such as structural, functional, and spatial information, amino acid conservation, physicochemical variation, residue mobility, and thermodynamic stability) indicates that this missense variant is not expected to disrupt BCL11B protein function with a negative predictive value of 95%. Algorithms developed to predict the effect of sequence changes on RNA splicing suggest that this variant may disrupt the consensus splice site. In summary, the available evidence is currently insufficient to determine the role of this variant in disease. Therefore, it has been classified as a Variant of Uncertain Significance.